The following is an entry in ClinVar:

ClinVar aggregate classification (germline): Likely benign (1 of 4 stars; one submission).

Allele frequency attached by ClinVar (database versions not stated): ExAC 0.00085; gnomAD exomes 0.00027; gnomAD 0.00292; ESP Exome Variant Server 0.00247; 1000 Genomes Project 0.00339; 1000 Genomes Project 30x 0.00359.
gnomAD v4.1: 851 of 1,600,062 alleles (0.053%); highest among the groups gnomAD compares: African/African-American, 0.97%; 46 homozygotes.

Submission:

CeGaT Center for Human Genetics Tuebingen
Classification: Likely benign. Last evaluated: 2022-12-01. Review status: criteria provided, single submitter. Criteria: CeGaT Center For Human Genetics Tuebingen Variant Classification Criteria Version 2. Collection method: clinical testing. Allele origin: germline. Affected: yes. Observed: 1 variant allele.
Comment: BMP8B: BS2

NM_001720.5(BMP8B):c.889G>A (p.Gly297Ser)

Genes: BMP8B (bone morphogenetic protein 8b; minus strand), PPIE (peptidylprolyl isomerase E; plus strand). Cytogenetic location: 1p34.2.
Variant type: single nucleotide variant.
Coding change: c.889G>A on transcript NM_001720.5 (MANE Select); coding-DNA position 889, G replaced by A.
Protein change: p.Gly297Ser; replaces glycine 297 with serine.
Molecular consequence: missense variant. On other transcripts: 3 prime UTR variant (3).
Genome position (GRCh38, 1-based): chr1:39,763,771, C>T on the plus strand (G>A on the coding strand, the complement: BMP8B is on the minus strand). VCF-style: chr1-39763771-C-T. GRCh37 (hg19) VCF-style: chr1-40229443-C-T.
Other names: c.*110C>T (NM_001195007.2); c.*29C>T (NM_001319293.2, NM_203456.3); short protein forms G297S.
Identifiers: ClinVar variation 2638716 (VCV002638716.22), dbSNP rs140254369, ClinGen allele CA787332.
Genomic context (GRCh38, chr1:39,763,771, plus strand): 5'-CCAGCCAGCCGAGGTCCTGGAAGCTGACGTAGAGCTCGTGCCGACGGCAGACCTGCCGGC[C>T]GTGGGAGCCGTGGACGTCATCTGCAGGGACAGAAGGGGCAAGGTCTTTTCTGGGGTTCCT-3'
Protein context (NP_001711.2, residues 287-307): GIFDDVHGSH[Gly297Ser]RQVCRRHELY